The following is an entry in ClinVar:

NM_015425.6(POLR1A):c.4891G>A (p.Val1631Met)

Gene: POLR1A (RNA polymerase I subunit A; minus strand). Cytogenetic location: 2p11.2.
Variant type: single nucleotide variant.
Coding change: c.4891G>A on transcript NM_015425.6 (MANE Select); coding-DNA position 4891, G replaced by A.
Protein change: p.Val1631Met; replaces valine 1631 with methionine.
Molecular consequence: missense variant.
Genome position (GRCh38, 1-based): chr2:86,028,600, C>T on the plus strand (G>A on the coding strand, the complement: POLR1A is on the minus strand). VCF-style: chr2-86028600-C-T. GRCh37 (hg19) VCF-style: chr2-86255723-C-T.
Other names: c.4891G>A (NM_015425.3); short protein forms V1631M.
Identifiers: ClinVar variation 1408348 (VCV001408348.7), dbSNP rs183821257, ClinGen allele CA1745358.
Genomic context (GRCh38, chr2:86,028,600, plus strand): 5'-TGGTGTCCTGGCTGGTGCCCAGACCTCGGGGTGTTATCTGCAAGCTCCCCTTACCATACA[C>T]GGCAAACACATCCTTGATCTCCTTCTCGATCACCCGCAGCGCGGCCTCAATGCCATACGT-3'
Protein context (NP_056240.2, residues 1621-1641): IEKEIKDVFA[Val1631Met]YGIAVDPRHL

ClinVar aggregate classification (germline): Uncertain significance. Review status: criteria provided, multiple submitters, no conflicts (2 of 4 stars). 2 submissions from 2 submitters: Uncertain significance (2). Last evaluated 2025-07-29.

Conditions:
Inborn genetic diseases. Identifiers: MedGen C0950123, MeSH D030342.

Allele frequency attached by ClinVar (database versions not stated): gnomAD exomes 0.00001 and 0.00003; ExAC 0.00002; ESP Exome Variant Server 0.00008; gnomAD 0.00013; 1000 Genomes Project 30x 0.00016; TOPMed 0.00019; 1000 Genomes Project 0.00020.

Submissions (2):

Labcorp Genetics (formerly Invitae), Labcorp
Classification: Uncertain significance. Last evaluated: 2025-07-29. Review status: criteria provided, single submitter. Criteria: Invitae Variant Classification Sherloc (09022015). Collection method: clinical testing. Allele origin: germline.
Comment: This sequence change replaces valine, which is neutral and non-polar, with methionine, which is neutral and non-polar, at codon 1631 of the POLR1A protein (p.Val1631Met). This variant is present in population databases (rs183821257, gnomAD 0.03%). This missense change has been observed in individual(s) with clinical features of POLR1A-related conditions (PMID: 37075751). ClinVar contains an entry for this variant (Variation ID: 1408348). Invitae Evidence Modeling of protein sequence and biophysical properties (such as structural, functional, and spatial information, amino acid conservation, physicochemical variation, residue mobility, and thermodynamic stability) has been performed for this missense variant. However, the output from this modeling did not meet the statistical confidence thresholds required to predict the impact of this variant on POLR1A protein function. Studies have shown that this missense change does not significantly alter or has an unclear effect on POLR1A gene expression (PMID: 37075751). In summary, the available evidence is currently insufficient to determine the role of this variant in disease. Therefore, it has been classified as a Variant of Uncertain Significance.

Ambry Genetics
Classification: Uncertain significance for Inborn genetic diseases. Last evaluated: 2024-07-17. Review status: criteria provided, single submitter. Criteria: Ambry Variant Classification Scheme 2023. Collection method: clinical testing. Allele origin: germline.

Literature cited by the submitters: PubMed 37075751 (cited by Labcorp Genetics (formerly Invitae), Labcorp).